The following is an entry in ClinVar:

ClinVar aggregate classification (germline): Uncertain significance (1 of 4 stars; one submission).

Submission:

Labcorp Genetics (formerly Invitae), Labcorp
Classification: Uncertain significance. Last evaluated: 2025-10-11. Review status: criteria provided, single submitter. Criteria: Invitae Variant Classification Sherloc (09022015). Collection method: clinical testing. Allele origin: germline.
Comment: This sequence change replaces phenylalanine, which is neutral and non-polar, with leucine, which is neutral and non-polar, at codon 393 of the EMC1 protein (p.Phe393Leu). This variant is not present in population databases (gnomAD no frequency). This variant has not been reported in the literature in individuals affected with EMC1-related conditions. Invitae Evidence Modeling of protein sequence and biophysical properties (such as structural, functional, and spatial information, amino acid conservation, physicochemical variation, residue mobility, and thermodynamic stability) indicates that this missense variant is not expected to disrupt EMC1 protein function with a negative predictive value of 80%. In summary, the available evidence is currently insufficient to determine the role of this variant in disease. Therefore, it has been classified as a Variant of Uncertain Significance.

NM_015047.3(EMC1):c.1177T>C (p.Phe393Leu)

Genes: EMC1 (ER membrane protein complex subunit 1; minus strand), EMC1-AS1 (EMC1 antisense RNA 1; plus strand). Cytogenetic location: 1p36.13.
Variant type: single nucleotide variant.
Coding change: c.1177T>C on transcript NM_015047.3 (MANE Select); coding-DNA position 1177, T replaced by C.
Protein change: p.Phe393Leu; replaces phenylalanine 393 with leucine.
Molecular consequence: missense variant.
Genome position (GRCh38, 1-based): chr1:19,238,052, A>G on the plus strand (T>C on the coding strand, the complement: EMC1 is on the minus strand). VCF-style: chr1-19238052-A-G. GRCh37 (hg19) VCF-style: chr1-19564546-A-G.
Other names: c.1174T>C, p.Phe392Leu (NM_001271427.2, NM_001375821.1); c.1177T>C, p.Phe393Leu (NM_001271428.2, NM_001375820.1); c.1111T>C, p.Phe371Leu (NM_001271429.2); short protein forms F371L, F392L, F393L.
Identifiers: ClinVar variation 4806166 (VCV004806166.1).